The following is an entry in ClinVar:

ClinVar aggregate classification (germline): Uncertain significance (1 of 4 stars; one submission).

Allele frequency attached by ClinVar (database versions not stated): gnomAD exomes below 0.00001; ExAC 0.00001; gnomAD 0.00001; TOPMed 0.00002.
gnomAD v4.1: 4 of 1,610,364 alleles (0.00025%); highest among the groups gnomAD compares: African/African-American, 0.0053%; no homozygotes.

Submission:

GeneDx
Classification: Uncertain significance. Last evaluated: 2022-08-25. Review status: criteria provided, single submitter. Criteria: GeneDx Variant Classification Process June 2021. Collection method: clinical testing. Allele origin: germline. Affected: yes.
Comment: Not observed at significant frequency in large population cohorts (gnomAD); In silico analysis supports that this missense variant does not alter protein structure/function; Has not been previously published as pathogenic or benign to our knowledge

NM_001039213.4(CEACAM16):c.421G>C (p.Ala141Pro)

Genes: CEACAM16 (CEA cell adhesion molecule 16, tectorial membrane component; plus strand), CEACAM16-AS1 (CEACAM16, CEACAM19 and PVR antisense RNA 1; minus strand). Cytogenetic location: 19q13.32.
Variant type: single nucleotide variant.
Coding change: c.421G>C on transcript NM_001039213.4 (MANE Select); coding-DNA position 421, G replaced by C.
Protein change: p.Ala141Pro; replaces alanine 141 with proline.
Molecular consequence: missense variant.
Genome position (GRCh38, 1-based): chr19:44,704,056, G>C. VCF-style: chr19-44704056-G-C. GRCh37 (hg19) VCF-style: chr19-45207326-G-C.
Other names: short protein forms A141P.
Identifiers: ClinVar variation 2430595 (VCV002430595.1), dbSNP rs775017974, ClinGen allele CA9503052.
Genomic context (GRCh38, chr19:44,704,056, plus strand): 5'-CCTCTGTCTCTTGCCCCCACAGAGATCCTGGCCCAGCCCACAGTCTTGGCCAACAGCACA[G>C]CGCTGGTGGAACGTCGAGACACCCTGCGCCTTATGTGCAGCAGCCCCAGCCCCACCGCCG-3'
Protein context (NP_001034302.2, residues 131-151): AQPTVLANST[Ala141Pro]LVERRDTLRL